The following is an entry in ClinVar:

NM_015178.3(RHOBTB2):c.2129C>T (p.Pro710Leu)

Gene: RHOBTB2 (Rho related BTB domain containing 2; plus strand). Cytogenetic location: 8p21.3.
Variant type: single nucleotide variant.
Coding change: c.2129C>T on transcript NM_015178.3 (MANE Select); coding-DNA position 2129, C replaced by T.
Protein change: p.Pro710Leu; replaces proline 710 with leucine.
Molecular consequence: missense variant.
Genome position (GRCh38, 1-based): chr8:23,017,414, C>T. VCF-style: chr8-23017414-C-T. GRCh37 (hg19) VCF-style: chr8-22874927-C-T.
Other names: c.2195C>T (NM_001160036.1); c.2195C>T, p.Pro732Leu (NM_001160036.2); c.2150C>T, p.Pro717Leu (NM_001160037.2); c.2129C>T, p.Pro710Leu (NM_001374791.1); short protein forms P710L, P717L, P732L.
Identifiers: ClinVar variation 1165842 (VCV001165842.36), dbSNP rs146723409, ClinGen allele CA4672871.
Genomic context (GRCh38, chr8:23,017,414, plus strand): 5'-ACCTCCACCTCAAGCGGCAGCCCAAACGGCGTTGGCTCTTCTGGAACAGTCCATCCTCCC[C>T]GTCTTCCTCGGCAGCCTCCTCCTCATCCCCATCTTCCTCCTCGGCTGTGGTCTGAGATGC-3'
Protein context (NP_055993.2, residues 700-720): RWLFWNSPSS[Pro710Leu]SSSAASSSSP

ClinVar aggregate classification (germline): Benign/Likely benign. Review status: criteria provided, multiple submitters, no conflicts (2 of 4 stars). 6 submissions from 6 submitters: Benign (3); Likely benign (3). Last evaluated 2026-09-01.

Conditions:
Inborn genetic diseases. Identifiers: MedGen C0950123, MeSH D030342.
Developmental and epileptic encephalopathy, 64. Also called: EPILEPTIC ENCEPHALOPATHY, EARLY INFANTILE, 64. Identifiers: MedGen C4693899, MONDO:0033373, OMIM 618004.

Allele frequency attached by ClinVar (database versions not stated): ESP Exome Variant Server 0.00046; gnomAD 0.00064 and 0.00074; TOPMed 0.00068; 1000 Genomes Project 30x 0.00078; gnomAD exomes 0.00083 and 0.00106; 1000 Genomes Project 0.00100; ExAC 0.00146.
gnomAD v4.1: 1,333 of 1,612,772 alleles (0.083%); highest among the groups gnomAD compares: Middle Eastern, 0.45%; 8 homozygotes.

Submissions (6):

CeGaT Center for Human Genetics Tuebingen
Classification: Benign. Last evaluated: 2026-09-01. Review status: criteria provided, single submitter. Criteria: CeGaT Center For Human Genetics Tuebingen Variant Classification Criteria Version 2. Collection method: clinical testing. Allele origin: germline. Affected: yes. Observed: 5 variant alleles.
Comment: RHOBTB2: BS1, BS2

Labcorp Genetics (formerly Invitae), Labcorp
Classification: Benign. Last evaluated: 2026-01-21. Review status: criteria provided, single submitter. Criteria: Invitae Variant Classification Sherloc (09022015). Collection method: clinical testing. Allele origin: germline.

Blueprint Genetics
Classification: Likely benign. Last evaluated: 2024-11-25. Review status: criteria provided, single submitter. Criteria: ACMG Guidelines, 2015. Collection method: clinical testing. Allele origin: germline.

Fulgent Genetics
Classification: Likely benign for Developmental and epileptic encephalopathy, 64. Last evaluated: 2021-11-29. Review status: criteria provided, single submitter. Criteria: ACMG Guidelines, 2015. Collection method: clinical testing. Allele origin: unknown.

Ambry Genetics
Classification: Likely benign for Inborn genetic diseases. Last evaluated: 2021-06-30. Review status: criteria provided, single submitter. Criteria: Ambry Variant Classification Scheme 2023. Collection method: clinical testing. Allele origin: germline.

Breakthrough Genomics
Classification: Benign. Review status: criteria provided, single submitter. Criteria: ACMG Guidelines, 2015. Collection method: not provided. Allele origin: germline. Inheritance: Autosomal dominant inheritance. Affected: yes.